The following is an entry in ClinVar:

ClinVar aggregate classification (germline): Uncertain significance (1 of 4 stars; one submission).

gnomAD v4.1: 2 of 1,612,726 alleles (0.00012%); highest among the groups gnomAD compares: Non-Finnish European, 0.00017%; no homozygotes.

Submission:

Labcorp Genetics (formerly Invitae), Labcorp
Classification: Uncertain significance. Last evaluated: 2025-03-10. Review status: criteria provided, single submitter. Criteria: Invitae Variant Classification Sherloc (09022015). Collection method: clinical testing. Allele origin: germline.
Comment: This sequence change replaces asparagine, which is neutral and polar, with aspartic acid, which is acidic and polar, at codon 513 of the RIPK1 protein (p.Asn513Asp). This variant is present in population databases (no rsID available, gnomAD 0.0009%). This variant has not been reported in the literature in individuals affected with RIPK1-related conditions. An algorithm developed to predict the effect of missense changes on protein structure and function (PolyPhen-2) suggests that this variant is likely to be tolerated. In summary, the available evidence is currently insufficient to determine the role of this variant in disease. Therefore, it has been classified as a Variant of Uncertain Significance.

NM_001354930.2(RIPK1):c.1537A>G (p.Asn513Asp)

Gene: RIPK1 (receptor interacting serine/threonine kinase 1; plus strand). Cytogenetic location: 6p25.2.
Variant type: single nucleotide variant.
Coding change: c.1537A>G on transcript NM_001354930.2 (MANE Select); coding-DNA position 1537, A replaced by G.
Protein change: p.Asn513Asp; replaces asparagine 513 with aspartic acid.
Molecular consequence: missense variant.
Genome position (GRCh38, 1-based): chr6:3,106,012, A>G. VCF-style: chr6-3106012-A-G. GRCh37 (hg19) VCF-style: chr6-3106246-A-G.
Other names: c.1048A>G, p.Asn350Asp (NM_001317061.3, NM_001354932.2, NM_001354933.2 and 1 more transcripts); c.1399A>G, p.Asn467Asp (NM_001354931.2); c.1537A>G, p.Asn513Asp (NM_003804.6); short protein forms N350D, N467D, N513D.
Identifiers: ClinVar variation 4714775 (VCV004714775.1).